The following is an entry in ClinVar:

ClinVar aggregate classification (germline): Pathogenic. Review status: criteria provided, multiple submitters, no conflicts (2 of 4 stars). 2 submissions from 2 submitters: Pathogenic (2). Last evaluated 2024-11-01.

Conditions:
Very long chain acyl-CoA dehydrogenase deficiency (ACADVLD). Also called: VLCAD Deficiency; Very Long-Chain Acyl-Coenzyme A Dehydrogenase Deficiency. Identifiers: Orphanet 26793, MedGen C3887523, MONDO:0008723, OMIM 201475.

Submissions (2):

Myriad Genetics, Inc.
Classification: Pathogenic for Very long chain acyl-CoA dehydrogenase deficiency. Last evaluated: 2024-11-01. Review status: criteria provided, single submitter. Criteria: Myriad Autosomal Dominant, Autosomal Recessive and X-Linked Classification Criteria (2023). Collection method: clinical testing. Allele origin: unknown.
Comment: NM_000018.3(ACADVL):c.1377delG(I460Sfs*32) is expected to be pathogenic in the context of very-long-chain acyl-CoA dehydrogenase deficiency. This variant is predicted to lead to an abnormal or absent protein product due to the creation of a premature termination codon in ACADVL, a gene where loss-of-function variants are known to be pathogenic. Please note: this variant was assessed in the context of healthy population screening.

Labcorp Genetics (formerly Invitae), Labcorp
Classification: Pathogenic for Very long chain acyl-CoA dehydrogenase deficiency. Last evaluated: 2022-12-15. Review status: criteria provided, single submitter. Criteria: Invitae Variant Classification Sherloc (09022015). Collection method: clinical testing. Allele origin: germline.
Comment: This sequence change creates a premature translational stop signal (p.Ile460Serfs*32) in the ACADVL gene. It is expected to result in an absent or disrupted protein product. Loss-of-function variants in ACADVL are known to be pathogenic (PMID: 9973285, 11590124). This variant is not present in population databases (gnomAD no frequency). This variant has not been reported in the literature in individuals affected with ACADVL-related conditions. For these reasons, this variant has been classified as Pathogenic.

Literature cited by the submitters: PubMed 9973285 (cited by Labcorp Genetics (formerly Invitae), Labcorp); PubMed 11590124 (cited by Labcorp Genetics (formerly Invitae), Labcorp).

NM_000018.4(ACADVL):c.1377del (p.Ile460fs)

Gene: ACADVL (acyl-CoA dehydrogenase very long chain; plus strand). Cytogenetic location: 17p13.1.
Variant type: Deletion.
Coding change: c.1377del on transcript NM_000018.4 (MANE Select); coding-DNA position 1377, one base deleted (G; older notation c.1377delG).
Protein change: p.Ile460fs; shifts the reading frame from isoleucine 460.
Molecular consequence: frameshift variant.
Genome position (GRCh38, 1-based): chr17:7,224,012, G deleted; the last of 2 consecutive G bases (chr17:7,224,011-7,224,012); deleting either gives the same sequence. VCF-style (leftmost placement, unchanged base first): chr17-7224010-CG-C. GRCh37 (hg19) VCF-style: chr17-7127329-CG-C.
Other names: c.1311del, p.Ile438fs (NM_001033859.3); c.1446del, p.Ile483fs (NM_001270447.2); c.1149del, p.Ile384fs (NM_001270448.2); short protein forms I384fs, I483fs, I438fs, I460fs.
Identifiers: ClinVar variation 1946069 (VCV001946069.6), dbSNP rs2508349575, ClinGen allele CA2580094802.